The following is an entry in ClinVar:

ClinVar aggregate classification (germline): Pathogenic (1 of 4 stars; one submission).

Conditions:
CHD7-related CHARGE syndrome. Identifiers: MedGen CN380413, MONDO:1010178, OMIM 214800.
Hypogonadotropic hypogonadism 5 with or without anosmia (KAL5). Also called: CHD7-Related GnRH Deficiency (Kallmann Syndrome 5); HYPOGONADOTROPIC HYPOGONADISM 5 WITH ANOSMIA; HYPOGONADOTROPHIC HYPOGONADISM 5 WITHOUT ANOSMIA. Identifiers: Orphanet 478, MedGen C3552553, MONDO:0012880, OMIM 612370. Disease mechanism: loss of function.

Submission:

Juno Genomics, Hangzhou Juno Genomics, Inc
Classification: Pathogenic for CHD7-related CHARGE syndrome; Hypogonadotropic hypogonadism 5 with or without anosmia. Review status: criteria provided, single submitter. Criteria: ACMG Guidelines, 2015. Collection method: clinical testing. Allele origin: germline.
Comment: Absent from controls (or at extremely low frequency if recessive) in Genome Aggregation Database.;Null variant in a gene where loss of function (LOF) is a known mechanism of disease.;De novo (both maternity and paternity confirmed) in a patient with the disease and no family history.;Patient's phenotype or family history is highly specific for a disease with a single genetic etiology.

NM_017780.4(CHD7):c.6416del (p.Asn2139fs)

Gene: CHD7 (chromodomain helicase DNA binding protein 7; plus strand). Cytogenetic location: 8q12.2.
Variant type: Deletion.
Coding change: c.6416del on transcript NM_017780.4 (MANE Select); coding-DNA position 6416, one base deleted (A; older notation c.6416delA).
Protein change: p.Asn2139fs; shifts the reading frame from asparagine 2139.
Molecular consequence: frameshift variant. On other transcripts: intron variant (1).
Genome position (GRCh38, 1-based): chr8:60,853,141, A deleted; the last of 2 consecutive A bases (chr8:60,853,140-60,853,141); deleting either gives the same sequence. VCF-style (leftmost placement, unchanged base first): chr8-60853139-TA-T. GRCh37 (hg19) VCF-style: chr8-61765698-TA-T.
Other names: c.1717-9088del (NM_001316690.1); short protein forms N2139fs.
Identifiers: ClinVar variation 5019926 (VCV005019926.2).